The following is an entry in ClinVar:

NM_006767.4(LZTR1):c.1498del (p.Ala500fs)

Gene: LZTR1 (leucine zipper like post translational regulator 1; plus strand). Cytogenetic location: 22q11.21.
Variant type: Deletion.
Coding change: c.1498del on transcript NM_006767.4 (MANE Select); coding-DNA position 1498, one base deleted (G; older notation c.1498delG).
Protein change: p.Ala500fs; shifts the reading frame from alanine 500.
Molecular consequence: frameshift variant.
Genome position (GRCh38, 1-based): chr22:20,994,152, G deleted; the last of 2 consecutive G bases (chr22:20,994,151-20,994,152); deleting either gives the same sequence. VCF-style (leftmost placement, unchanged base first): chr22-20994150-TG-T. GRCh37 (hg19) VCF-style: chr22-21348439-TG-T.
Other names: short protein forms A500fs.
Identifiers: ClinVar variation 5006459 (VCV005006459.2).
Genomic context (GRCh38, chr22:20,994,150, plus strand): 5'-CCTTCTCCCCACAGAAGCTGGAGCAGGAGGCCGCCCCAGTTCCCAGGGAGGCCCCCGGCG[TG>T]GCTGCTGGTGGGGCCCGGCCGCCCCTGCTGCACGTGGCCATCCGGGAGGCCGAGGCCCGG-3'

ClinVar aggregate classification (germline): Likely pathogenic (1 of 4 stars; one submission).

Conditions:
LZTR1-related schwannomatosis. Also called: Schwannomatosis-2, susceptibility to; Schwannomatosis 2. Identifiers: Orphanet 93921, MedGen C3810283, MONDO:0014299, OMIM 615670.

Submission:

Juno Genomics, Hangzhou Juno Genomics, Inc
Classification: Likely pathogenic for LZTR1-related schwannomatosis. Review status: criteria provided, single submitter. Criteria: ACMG Guidelines, 2015. Collection method: clinical testing. Allele origin: germline.
Comment: Null variant in a gene where loss of function (LOF) is a known mechanism of disease.;Absent from controls (or at extremely low frequency if recessive) in Genome Aggregation Database.